The following is an entry in ClinVar:

ClinVar aggregate classification (germline): Uncertain significance (1 of 4 stars; one submission).

Conditions:
Hereditary breast ovarian cancer syndrome. Also called: Hereditary breast and ovarian cancer syndrome; Hereditary breast and ovarian cancer syndrome (HBOC); BRCA1- and BRCA2-Associated Hereditary Breast and Ovarian Cancer; Hereditary breast and ovarian cancer; Breast and ovarian cancer; Hereditary breast and/or ovarian cancer syndrome. Identifiers: Orphanet 145, MedGen C0677776, MeSH D061325, MONDO:0003582. Disease mechanism: loss of function.

Submission:

Labcorp Genetics (formerly Invitae), Labcorp
Classification: Uncertain significance for Hereditary breast ovarian cancer syndrome. Last evaluated: 2024-07-21. Review status: criteria provided, single submitter. Criteria: Invitae Variant Classification Sherloc (09022015). Collection method: clinical testing. Allele origin: germline.
Comment: This sequence change replaces serine, which is neutral and polar, with phenylalanine, which is neutral and non-polar, at codon 763 of the BRCA1 protein (p.Ser763Phe). This variant is not present in population databases (gnomAD no frequency). This variant has not been reported in the literature in individuals affected with BRCA1-related conditions. Advanced modeling of protein sequence and biophysical properties (such as structural, functional, and spatial information, amino acid conservation, physicochemical variation, residue mobility, and thermodynamic stability) performed at Invitae indicates that this missense variant is not expected to disrupt BRCA1 protein function with a negative predictive value of 95%. In summary, the available evidence is currently insufficient to determine the role of this variant in disease. Therefore, it has been classified as a Variant of Uncertain Significance.

NM_007294.4(BRCA1):c.2288C>T (p.Ser763Phe)

Gene: BRCA1 (BRCA1 DNA repair associated; minus strand). Cytogenetic location: 17q21.31.
Variant type: single nucleotide variant.
Coding change: c.2288C>T on transcript NM_007294.4 (MANE Select); coding-DNA position 2288, C replaced by T.
Protein change: p.Ser763Phe; replaces serine 763 with phenylalanine.
Molecular consequence: missense variant. On other transcripts: intron variant (137).
Genome position (GRCh38, 1-based): chr17:43,093,243, G>A on the plus strand (C>T on the coding strand, the complement: BRCA1 is on the minus strand). VCF-style: chr17-43093243-G-A. GRCh37 (hg19) VCF-style: chr17-41245260-G-A.
Other names: c.1955C>T, p.Ser652Phe (NM_001407948.1, NM_001407950.1, NM_001407949.1 and 6 more transcripts); c.1952C>T, p.Ser651Phe (NM_001407954.1, NM_001407956.1, NM_001407955.1 and 1 more transcripts); c.1907C>T, p.Ser636Phe (NM_001407959.1, NM_001407963.1, NM_001407960.1); c.1784C>T, p.Ser595Phe (NM_001407965.1); c.2144C>T, p.Ser715Phe (NM_001407964.1, NM_001407740.1, NM_001407741.1 and 20 more transcripts); c.1904C>T, p.Ser635Phe (NM_001407962.1); c.2075C>T, p.Ser692Phe (NM_001407571.1, NM_001407853.1, NM_001407894.1 and 9 more transcripts); c.2288C>T, p.Ser763Phe (NM_001407581.1, NM_001407582.1, NM_001407583.1 and 30 more transcripts); and 41 more; short protein forms S595F, S635F, S721F, S737F, S467F, S675F, S695F, S722F.
Identifiers: ClinVar variation 3634671 (VCV003634671.2).